The following is an entry in ClinVar:

ClinVar aggregate classification (germline): Uncertain significance. Review status: criteria provided, multiple submitters, no conflicts (2 of 4 stars). 2 submissions from 2 submitters: Uncertain significance (2). Last evaluated 2025-12-08.

Conditions:
Brachyolmia-amelogenesis imperfecta syndrome. Also called: PLATYSPONDYLY WITH AMELOGENESIS IMPERFECTA; Tooth agenesis, selective, 6; Dental anomalies and short stature. Identifiers: Orphanet 2899, MedGen C1832594, MONDO:0011018, OMIM 601216. Disease mechanism: loss of function.
Inborn genetic diseases. Identifiers: MedGen C0950123, MeSH D030342.

Allele frequency attached by ClinVar (database versions not stated): TOPMed 0.00001; gnomAD 0.00002.
gnomAD v4.1: 11 of 1,613,984 alleles (0.00068%); highest among the groups gnomAD compares: African/African-American, 0.008%; no homozygotes.

Submissions (2):

Labcorp Genetics (formerly Invitae), Labcorp
Classification: Uncertain significance for Brachyolmia-amelogenesis imperfecta syndrome. Last evaluated: 2025-12-08. Review status: criteria provided, single submitter. Criteria: Invitae Variant Classification Sherloc (09022015). Collection method: clinical testing. Allele origin: germline.
Comment: This sequence change replaces glutamic acid, which is acidic and polar, with lysine, which is basic and polar, at codon 475 of the LTBP3 protein (p.Glu475Lys). This variant is present in population databases (no rsID available, gnomAD 0.06%). This variant has not been reported in the literature in individuals affected with LTBP3-related conditions. ClinVar contains an entry for this variant (Variation ID: 2625058). An algorithm developed to predict the effect of missense changes on protein structure and function (PolyPhen-2) suggests that this variant is likely to be tolerated. In summary, the available evidence is currently insufficient to determine the role of this variant in disease. Therefore, it has been classified as a Variant of Uncertain Significance.

Ambry Genetics
Classification: Uncertain significance for Inborn genetic diseases. Last evaluated: 2023-08-07. Review status: criteria provided, single submitter. Criteria: Ambry Variant Classification Scheme 2023. Collection method: clinical testing. Allele origin: germline.
Comment: The p.E475K variant (also known as c.1423G>A), located in coding exon 8 of the LTBP3 gene, results from a G to A substitution at nucleotide position 1423. The glutamic acid at codon 475 is replaced by lysine, an amino acid with similar properties. This amino acid position is conserved. In addition, this alteration is predicted to be tolerated by in silico analysis. Since supporting evidence is limited at this time, the clinical significance of this alteration remains unclear.

NM_001130144.3(LTBP3):c.1423G>A (p.Glu475Lys)

Gene: LTBP3 (latent transforming growth factor beta binding protein 3; minus strand). Cytogenetic location: 11q13.1.
Variant type: single nucleotide variant.
Coding change: c.1423G>A on transcript NM_001130144.3 (MANE Select); coding-DNA position 1423, G replaced by A.
Protein change: p.Glu475Lys; replaces glutamic acid 475 with lysine.
Molecular consequence: missense variant.
Genome position (GRCh38, 1-based): chr11:65,552,080, C>T on the plus strand (G>A on the coding strand, the complement: LTBP3 is on the minus strand). VCF-style: chr11-65552080-C-T. GRCh37 (hg19) VCF-style: chr11-65319551-C-T.
Other names: c.1072G>A, p.Glu358Lys (NM_001164266.1); c.1423G>A, p.Glu475Lys (NM_021070.4); short protein forms E475K, E358K.
Identifiers: ClinVar variation 2625058 (VCV002625058.5), dbSNP rs1199471046, ClinGen allele CA381273386.